The following is an entry in ClinVar:

ClinVar aggregate classification (germline): Likely benign. Review status: criteria provided, single submitter (1 of 4 stars). 2 submissions from 2 submitters: Likely benign (1). 1 of the submissions does not count toward it. Last evaluated 2026-02-02.

Conditions:
Jeune thoracic dystrophy. Also called: Jeune syndrome; Infantile thoracic dystrophy; Thoracic pelvic phalangeal dystrophy; Jeune's syndrome; Chondroectodermal dysplasia-like syndrome; Short-rib thoracic dysplasia. Identifiers: Orphanet 474, MedGen C0265275, MONDO:0018770.
DYNC2H1-related disorder. Also called: DYNC2H1-related disorders; DYNC2H1-related condition. Identifiers: MedGen CN378770.

Allele frequency attached by ClinVar (database versions not stated): gnomAD 0.00001; gnomAD exomes 0.00001; TOPMed 0.00002; ExAC 0.00003.
gnomAD v4.1: 16 of 1,608,810 alleles (0.00099%); highest among the groups gnomAD compares: Admixed American, 0.025%; no homozygotes.

Submissions (2):

Labcorp Genetics (formerly Invitae), Labcorp
Classification: Likely benign for Jeune thoracic dystrophy. Last evaluated: 2026-02-02. Review status: criteria provided, single submitter. Criteria: Invitae Variant Classification Sherloc (09022015). Collection method: clinical testing. Allele origin: germline.

PreventionGenetics, part of Exact Sciences
Classification: Likely benign for DYNC2H1-related condition. Last evaluated: 2019-09-05. Review status: no assertion criteria provided. Collection method: clinical testing. Allele origin: germline. Not counted in ClinVar's aggregate classification.
Comment: This variant is classified as likely benign based on ACMG/AMP sequence variant interpretation guidelines (Richards et al. 2015 PMID: 25741868, with internal and published modifications).

NM_001377.3(DYNC2H1):c.10407A>C (p.Ala3469=)

Gene: DYNC2H1 (dynein cytoplasmic 2 heavy chain 1; plus strand). Cytogenetic location: 11q22.3.
Variant type: single nucleotide variant.
Coding change: c.10407A>C on transcript NM_001377.3 (MANE Select); coding-DNA position 10407, A replaced by C.
Protein change: p.Ala3469=; no amino-acid change (alanine 3469 retained).
Molecular consequence: synonymous variant.
Genome position (GRCh38, 1-based): chr11:103,256,186, A>C. VCF-style: chr11-103256186-A-C. GRCh37 (hg19) VCF-style: chr11-103126915-A-C.
Other names: c.10428A>C (NM_001080463.1); c.10428A>C, p.Ala3476= (NM_001080463.2).
Identifiers: ClinVar variation 2156126 (VCV002156126.6), dbSNP rs761186294, ClinGen allele CA6254963.